The following is an entry in ClinVar:

ClinVar aggregate classification (germline): Likely pathogenic (1 of 4 stars; one submission).

Conditions:
Ciliary dyskinesia, primary, 40. Also called: CILIARY DYSKINESIA, PRIMARY, 40, WITH OR WITHOUT SITUS INVERSUS. Identifiers: MedGen C4749028, MONDO:0032664, OMIM 618300.

Submission:

First Genomix Gene Laboratory, Genetic Diagnostics Department
Classification: Likely pathogenic for Ciliary dyskinesia, primary, 40. Last evaluated: 2025-05-26. Review status: criteria provided, single submitter. Criteria: ACMG Guidelines, 2015. Collection method: clinical testing. Allele origin: germline. Inheritance: Autosomal recessive inheritance. Affected: no. Observed: 1 variant allele.

NM_001372.4(DNAH9):c.11545C>T (p.Gln3849Ter)

Gene: DNAH9 (dynein axonemal heavy chain 9; plus strand). Cytogenetic location: 17p12.
Variant type: single nucleotide variant.
Coding change: c.11545C>T on transcript NM_001372.4 (MANE Select); coding-DNA position 11545, C replaced by T.
Protein change: p.Gln3849Ter; replaces glutamine 3849 with a stop codon.
Molecular consequence: nonsense.
Genome position (GRCh38, 1-based): chr17:11,902,857, C>T. VCF-style: chr17-11902857-C-T. GRCh37 (hg19) VCF-style: chr17-11806174-C-T.
Other names: c.481C>T, p.Gln161Ter (NM_004662.2); short protein forms Q161*, Q3849*.
Identifiers: ClinVar variation 4849481 (VCV004849481.1).
Genomic context (GRCh38, chr17:11,902,857, plus strand): 5'-GAGTCCGAATGTCCTGAGAAAGAGAAGCTCCCACAGGAGTGGAAGAACAAGACAGCCCTG[C>T]AGCGCCTCTGCATGCTGAGAGCCATGCGGCCCGACCGGATGACCTATGCTTTGCGGTAGG-3'